The following is an entry in ClinVar:

NM_000257.4(MYH7):c.32C>T (p.Ala11Val)

Gene: MYH7 (myosin heavy chain 7; minus strand). Cytogenetic location: 14q11.2.
Variant type: single nucleotide variant.
Coding change: c.32C>T on transcript NM_000257.4 (MANE Select); coding-DNA position 32, C replaced by T.
Protein change: p.Ala11Val; replaces alanine 11 with valine.
Molecular consequence: missense variant.
Genome position (GRCh38, 1-based): chr14:23,433,701, G>A on the plus strand (C>T on the coding strand, the complement: MYH7 is on the minus strand). VCF-style: chr14-23433701-G-A. GRCh37 (hg19) VCF-style: chr14-23902910-G-A.
Other names: c.32C>T, p.Ala11Val (NM_001407004.1); short protein forms A11V.
Identifiers: ClinVar variation 3699923 (VCV003699923.2).
Genomic context (GRCh38, chr14:23,433,701, plus strand): 5'-AAAGGCCTGGTCTGCGCTTCTAGCCGCTCCTTCTCTGACTTGCGCAGGTAGGGGGCGGCA[G>A]CCCCAAAGACTGCCATCTCCGAATCTCCCATGGCTGTGCCTGGAGTGAGCAGAAGCTGGC-3'
Protein context (NP_000248.2, residues 1-21): MGDSEMAVFG[Ala11Val]AAPYLRKSEK

ClinVar aggregate classification (germline): Uncertain significance (1 of 4 stars; one submission).

Conditions:
Hypertrophic cardiomyopathy. Also called: HYPERTROPHIC MYOCARDIOPATHY. Identifiers: Orphanet 217569, MedGen C0007194, MeSH D002312, MONDO:0005045, HP:0001639.

Submission:

Labcorp Genetics (formerly Invitae), Labcorp
Classification: Uncertain significance for Hypertrophic cardiomyopathy. Last evaluated: 2024-12-19. Review status: criteria provided, single submitter. Criteria: Invitae Variant Classification Sherloc (09022015). Collection method: clinical testing. Allele origin: germline.
Comment: This sequence change replaces alanine, which is neutral and non-polar, with valine, which is neutral and non-polar, at codon 11 of the MYH7 protein (p.Ala11Val). This variant is not present in population databases (gnomAD no frequency). This variant has not been reported in the literature in individuals affected with MYH7-related conditions. Invitae Evidence Modeling of protein sequence and biophysical properties (such as structural, functional, and spatial information, amino acid conservation, physicochemical variation, residue mobility, and thermodynamic stability) indicates that this missense variant is not expected to disrupt MYH7 protein function with a negative predictive value of 95%. In summary, the available evidence is currently insufficient to determine the role of this variant in disease. Therefore, it has been classified as a Variant of Uncertain Significance.